The following is an entry in ClinVar:

ClinVar aggregate classification (germline): Uncertain significance. Review status: criteria provided, multiple submitters, no conflicts (2 of 4 stars). 2 submissions from 2 submitters: Uncertain significance (2). Last evaluated 2023-04-15.

Conditions:
DICER1-related tumor predisposition. Also called: DICER1-related pleuropulmonary blastoma cancer predisposition syndrome; DICER1 syndrome. Identifiers: Orphanet 284343, MedGen C3839822, MONDO:0100216.
Hereditary cancer-predisposing syndrome. Also called: Hereditary Cancer Syndrome; Hereditary neoplastic syndrome; Neoplastic Syndromes, Hereditary; Tumor predisposition. Identifiers: Orphanet 140162, MedGen C0027672, MeSH D009386, MONDO:0015356.

Submissions (2):

Labcorp Genetics (formerly Invitae), Labcorp
Classification: Uncertain significance for DICER1-related tumor predisposition. Last evaluated: 2023-04-15. Review status: criteria provided, single submitter. Criteria: Invitae Variant Classification Sherloc (09022015). Collection method: clinical testing. Allele origin: germline.
Comment: In summary, the available evidence is currently insufficient to determine the role of this variant in disease. Therefore, it has been classified as a Variant of Uncertain Significance. An algorithm developed to predict the effect of missense changes on protein structure and function (PolyPhen-2) suggests that this variant is likely to be disruptive. This variant has not been reported in the literature in individuals affected with DICER1-related conditions. This variant is not present in population databases (gnomAD no frequency). This sequence change replaces proline, which is neutral and non-polar, with leucine, which is neutral and non-polar, at codon 1917 of the DICER1 protein (p.Pro1917Leu).

Ambry Genetics
Classification: Uncertain significance for Hereditary cancer-predisposing syndrome. Last evaluated: 2022-11-05. Review status: criteria provided, single submitter. Criteria: Ambry Variant Classification Scheme 2023. Collection method: clinical testing. Allele origin: germline.
Comment: The p.P1917L variant (also known as c.5750C>T), located in coding exon 26 of the DICER1 gene, results from a C to T substitution at nucleotide position 5750. The proline at codon 1917 is replaced by leucine, an amino acid with similar properties. This amino acid position is conserved. In addition, the in silico prediction for this alteration is inconclusive. Since supporting evidence is limited at this time, the clinical significance of this alteration remains unclear.

NM_177438.3(DICER1):c.5750C>T (p.Pro1917Leu)

Gene: DICER1 (dicer 1, ribonuclease III; minus strand). Cytogenetic location: 14q32.13.
Variant type: single nucleotide variant.
Coding change: c.5750C>T on transcript NM_177438.3 (MANE Select); coding-DNA position 5750, C replaced by T.
Protein change: p.Pro1917Leu; replaces proline 1917 with leucine.
Molecular consequence: missense variant. On other transcripts: 3 prime UTR variant (1), non-coding transcript variant (6).
Genome position (GRCh38, 1-based): chr14:95,090,517, G>A on the plus strand (C>T on the coding strand, the complement: DICER1 is on the minus strand). VCF-style: chr14-95090517-G-A. GRCh37 (hg19) VCF-style: chr14-95556854-G-A.
Other names: c.*97C>T (NM_001195573.1); c.5750C>T, p.Pro1917Leu (NM_001271282.3, NM_001291628.2, NM_001395677.1 and 8 more transcripts); c.5468C>T, p.Pro1823Leu (NM_001395686.1); c.5345C>T, p.Pro1782Leu (NM_001395687.1, NM_001395688.1, NM_001395689.1 and 1 more transcripts); c.5183C>T, p.Pro1728Leu (NM_001395691.1); c.4067C>T, p.Pro1356Leu (NM_001395697.1); short protein forms P1356L, P1728L, P1782L, P1823L, P1917L.
Identifiers: ClinVar variation 2856502 (VCV002856502.4), dbSNP rs1555365972, ClinGen allele CA390862908.